The following is an entry in ClinVar:

ClinVar aggregate classification (germline): Uncertain significance (1 of 4 stars; one submission).

Conditions:
Perry syndrome. Also called: PARKINSONISM WITH ALVEOLAR HYPOVENTILATION AND MENTAL DEPRESSION. Identifiers: Orphanet 178509, MedGen C1868594, MONDO:0008201, OMIM 168605.
Amyotrophic lateral sclerosis type 1 (ALS1). Also called: AMYOTROPHIC LATERAL SCLEROSIS 1, FAMILIAL. Identifiers: Orphanet 803, MedGen C1862939, MONDO:0007103, OMIM 105400.
Neuronopathy, distal hereditary motor, type 7B. Also called: Distal Hereditary Motor Neuronopathy Type 7B (dHMN7B); NEURONOPATHY, DISTAL HEREDITARY MOTOR, AUTOSOMAL DOMINANT 14; NEURONOPATHY, DISTAL HEREDITARY MOTOR, HARDING TYPE VIIB; NEUROPATHY, DISTAL HEREDITARY MOTOR, HARDING TYPE VIIB; NEUROPATHY, DISTAL HEREDITARY MOTOR, WITH VOCAL CORD PARALYSIS, HARDING TYPE VIIB; HMN VIIB. Identifiers: Orphanet 139589, MedGen C1843315, MONDO:0011879, OMIM 607641.

Allele frequency attached by ClinVar (database versions not stated): gnomAD exomes below 0.00001.
gnomAD v4.1: 4 of 1,614,202 alleles (0.00025%); highest among the groups gnomAD compares: Non-Finnish European, 0.00034%; no homozygotes.

Submission:

Labcorp Genetics (formerly Invitae), Labcorp
Classification: Uncertain significance for Amyotrophic lateral sclerosis type 1; Neuronopathy, distal hereditary motor, type 7B; Perry syndrome. Last evaluated: 2022-08-21. Review status: criteria provided, single submitter. Criteria: Invitae Variant Classification Sherloc (09022015). Collection method: clinical testing. Allele origin: germline.
Comment: In summary, the available evidence is currently insufficient to determine the role of this variant in disease. Therefore, it has been classified as a Variant of Uncertain Significance. Algorithms developed to predict the effect of missense changes on protein structure and function (SIFT, PolyPhen-2, Align-GVGD) all suggest that this variant is likely to be disruptive. This variant has not been reported in the literature in individuals affected with DCTN1-related conditions. This variant is not present in population databases (gnomAD no frequency). This sequence change replaces isoleucine, which is neutral and non-polar, with valine, which is neutral and non-polar, at codon 1023 of the DCTN1 protein (p.Ile1023Val).

NM_004082.5(DCTN1):c.3067A>G (p.Ile1023Val)

Gene: DCTN1 (dynactin subunit 1; minus strand). Cytogenetic location: 2p13.1.
Variant type: single nucleotide variant.
Coding change: c.3067A>G on transcript NM_004082.5 (MANE Select); coding-DNA position 3067, A replaced by G.
Protein change: p.Ile1023Val; replaces isoleucine 1023 with valine.
Molecular consequence: missense variant. On other transcripts: non-coding transcript variant (1).
Genome position (GRCh38, 1-based): chr2:74,365,204, T>C on the plus strand (A>G on the coding strand, the complement: DCTN1 is on the minus strand). VCF-style: chr2-74365204-T-C. GRCh37 (hg19) VCF-style: chr2-74592331-T-C.
Other names: c.3007A>G, p.Ile1003Val (NM_001135040.3); c.2665A>G, p.Ile889Val (NM_001135041.3, NM_023019.4); c.2956A>G, p.Ile986Val (NM_001190836.2); c.3046A>G, p.Ile1016Val (NM_001190837.2); c.3016A>G, p.Ile1006Val (NM_001378991.1); c.2998A>G, p.Ile1000Val (NM_001378992.1); short protein forms I1016V, I1003V, I1006V, I1023V, I889V, I986V, I1000V.
Identifiers: ClinVar variation 1916532 (VCV001916532.5), dbSNP rs2529101372, ClinGen allele CA347340592.